The following is an entry in ClinVar:

ClinVar aggregate classification (germline): Likely benign. Review status: criteria provided, multiple submitters, no conflicts (2 of 4 stars). 2 submissions from 2 submitters: Likely benign (2). Last evaluated 2025-01-29.

Allele frequency attached by ClinVar (database versions not stated): TOPMed below 0.00001; gnomAD 0.00001.
gnomAD v4.1: 3 of 1,596,460 alleles (0.00019%); highest among the groups gnomAD compares: Non-Finnish European, 0.00026%; no homozygotes.

Submissions (2):

Labcorp Genetics (formerly Invitae), Labcorp
Classification: Likely benign. Last evaluated: 2025-01-29. Review status: criteria provided, single submitter. Criteria: Invitae Variant Classification Sherloc (09022015). Collection method: clinical testing. Allele origin: germline.

GeneDx
Classification: Likely benign. Last evaluated: 2016-12-16. Review status: criteria provided, single submitter. Criteria: GeneDx Variant Classification (06012015). Collection method: clinical testing. Allele origin: germline. Affected: yes.
Comment: This variant is considered likely benign or benign based on one or more of the following criteria: it is a conservative change, it occurs at a poorly conserved position in the protein, it is predicted to be benign by multiple in silico algorithms, and/or has population frequency not consistent with disease.

NM_014317.5(PDSS1):c.832-15C>T

Gene: PDSS1 (decaprenyl diphosphate synthase subunit 1; plus strand). Cytogenetic location: 10p12.1.
Variant type: single nucleotide variant.
Coding change: c.832-15C>T on transcript NM_014317.5 (MANE Select); 15 bases into the intron before coding-DNA position 832, C replaced by T.
Molecular consequence: intron variant.
Genome position (GRCh38, 1-based): chr10:26,735,225, C>T. VCF-style: chr10-26735225-C-T. GRCh37 (hg19) VCF-style: chr10-27024154-C-T.
Other names: c.322-15C>T (NM_001321979.2); c.836-7272C>T (NM_001321978.2).
Identifiers: ClinVar variation 391662 (VCV000391662.3), dbSNP rs1057524182, ClinGen allele CA16605863.